The following is an entry in ClinVar:

ClinVar aggregate classification (germline): Conflicting classifications of pathogenicity. Review status: criteria provided, conflicting classifications (1 of 4 stars). 15 submissions from 14 submitters: Uncertain significance (1); Benign (8); Likely benign (2). 4 of the submissions do not count toward it. Last evaluated 2026-07-01.

Conditions:
Amyotrophic lateral sclerosis (ALS). Also called: Charcot disease; Lou Gehrig disease. Identifiers: Orphanet 803, MedGen C0002736, MONDO:0004976, HP:0007354.
Neuronopathy, distal hereditary motor, type 7B. Also called: NEURONOPATHY, DISTAL HEREDITARY MOTOR, AUTOSOMAL DOMINANT 14; NEURONOPATHY, DISTAL HEREDITARY MOTOR, HARDING TYPE VIIB; NEUROPATHY, DISTAL HEREDITARY MOTOR, HARDING TYPE VIIB; NEUROPATHY, DISTAL HEREDITARY MOTOR, WITH VOCAL CORD PARALYSIS, HARDING TYPE VIIB; Distal Hereditary Motor Neuronopathy Type 7B (dHMN7B); HMN VIIB. Identifiers: Orphanet 139589, MedGen C1843315, MONDO:0011879, OMIM 607641.
Perry syndrome. Also called: PARKINSONISM WITH ALVEOLAR HYPOVENTILATION AND MENTAL DEPRESSION. Identifiers: Orphanet 178509, MedGen C1868594, MONDO:0008201, OMIM 168605.
Amyotrophic lateral sclerosis type 1 (ALS1). Also called: AMYOTROPHIC LATERAL SCLEROSIS 1, FAMILIAL. Identifiers: Orphanet 803, MedGen C1862939, MONDO:0007103, OMIM 105400.

Allele frequency attached by ClinVar (database versions not stated): gnomAD exomes 0.00460; gnomAD 0.00462 and 0.00450; TOPMed 0.00483; ESP Exome Variant Server 0.00546; ExAC 0.00799; 1000 Genomes Project 30x 0.00312; 1000 Genomes Project 0.00319.
gnomAD v4.1: 9,756 of 1,588,362 alleles (0.61%); highest among the groups gnomAD compares: Non-Finnish European, 0.7%; 40 homozygotes.

Submissions (15):

CeGaT Center for Human Genetics Tuebingen
Classification: Likely benign. Last evaluated: 2026-07-01. Review status: criteria provided, single submitter. Criteria: CeGaT Center For Human Genetics Tuebingen Variant Classification Criteria Version 2. Collection method: clinical testing. Allele origin: germline. Affected: yes. Observed: 43 variant alleles.
Comment: DCTN1: BS2

Labcorp Genetics (formerly Invitae), Labcorp
Classification: Benign for Amyotrophic lateral sclerosis type 1; Neuronopathy, distal hereditary motor, type 7B; Perry syndrome. Last evaluated: 2026-02-03. Review status: criteria provided, single submitter. Criteria: Invitae Variant Classification Sherloc (09022015). Collection method: clinical testing. Allele origin: germline.

Dasa
Classification: Benign. Last evaluated: 2025-11-18. Review status: criteria provided, single submitter. Criteria: DASA Assertion Criteria. Collection method: clinical testing. Allele origin: germline.
Comment: NM_004082.5(DCTN1):c.586A>G (p.Ile196Val) is a missense variant that results in the substitution of isoleucine with valine. Population frequency is inconsistent with a disease-causing role for this variant, and observations in unaffected individuals support a benign interpretation. Computational prediction algorithms are consistent with a benign effect. Therefore, based on the currently available evidence, this variant is classified as benign.

ARUP Laboratories, Molecular Genetics and Genomics, ARUP Laboratories
Classification: Benign. Last evaluated: 2025-07-03. Review status: criteria provided, single submitter. Criteria: ARUP Molecular Germline Variant Investigation Process 2024. Collection method: clinical testing. Allele origin: germline.

Blueprint Genetics
Classification: Likely benign. Last evaluated: 2024-11-22. Review status: criteria provided, single submitter. Criteria: ACMG Guidelines, 2015. Collection method: clinical testing. Allele origin: germline.

Mayo Clinic Laboratories, Mayo Clinic
Classification: Benign. Last evaluated: 2022-01-18. Review status: criteria provided, single submitter. Criteria: ACMG Guidelines, 2015. Collection method: clinical testing. Allele origin: germline. Observed: 34 variant alleles.
Comment: BS1, BS2, BP4

UM ALS/MND Lab, University Of Malta
Classification: Uncertain significance for Amyotrophic lateral sclerosis. Last evaluated: 2020-09-09. Review status: criteria provided, single submitter. Criteria: ACMG Guidelines, 2015. Collection method: case-control. Allele origin: unknown. Affected: yes. Observed: 1 variant allele.
Comment: Single heterozygote

GeneDx
Classification: Benign. Last evaluated: 2018-12-28. Review status: criteria provided, single submitter. Criteria: GeneDx Variant Classification Process June 2021. Collection method: clinical testing. Allele origin: germline. Affected: yes.
Comment: This variant is associated with the following publications: (PMID: 23143281, 25382069)

Illumina Laboratory Services, Illumina
Classification: Benign for Perry syndrome. Last evaluated: 2018-01-12. Review status: criteria provided, single submitter. Criteria: ICSL Variant Classification Criteria 13 December 2019. Collection method: clinical testing. Allele origin: germline.
Comment: This variant was observed in the ICSL laboratory as part of a predisposition screen in an ostensibly healthy population. It had not been previously curated by ICSL or reported in the Human Gene Mutation Database (HGMD: prior to June 1st, 2018), and was therefore a candidate for classification through an automated scoring system. Utilizing variant allele frequency, disease prevalence and penetrance estimates, and inheritance mode, an automated score was calculated to assess if this variant is too frequent to cause the disease. Based on the score and internal cut-off values, a variant classified as benign is not then subjected to further curation. The score for this variant resulted in a classification of benign for this disease.

Illumina Laboratory Services, Illumina
Classification: Benign for Neuronopathy, distal hereditary motor, type 7B. Last evaluated: 2018-01-12. Review status: criteria provided, single submitter. Criteria: ICSL Variant Classification Criteria 13 December 2019. Collection method: clinical testing. Allele origin: germline.
Comment: the same text as in the submission from Illumina Laboratory Services, Illumina above.

Athena Diagnostics
Classification: Benign. Last evaluated: 2017-03-10. Review status: criteria provided, single submitter. Criteria: Athena Diagnostics Criteria. Collection method: clinical testing. Allele origin: germline.

Inherited Neuropathy Consortium Ii, University Of Miami
Classification: Uncertain significance for Perry syndrome. Last evaluated: 2016-01-06. Review status: no assertion criteria provided. Collection method: literature only. Allele origin: germline. Affected: yes. Not counted in ClinVar's aggregate classification.

Clinical Genetics DNA and cytogenetics Diagnostics Lab, Erasmus MC, Erasmus Medical Center
Classification: Likely benign. Review status: no assertion criteria provided. Collection method: clinical testing. Allele origin: germline. Affected: yes. Study: VKGL Data-share Consensus. Not counted in ClinVar's aggregate classification.

Clinical Genetics, Academic Medical Center
Classification: Benign. Review status: no assertion criteria provided. Collection method: clinical testing. Allele origin: germline. Affected: yes. Study: VKGL Data-share Consensus. Not counted in ClinVar's aggregate classification.

Genome Diagnostics Laboratory, University Medical Center Utrecht
Classification: Likely benign. Review status: no assertion criteria provided. Collection method: clinical testing. Allele origin: germline. Affected: yes. Study: VKGL Data-share Consensus. Not counted in ClinVar's aggregate classification.

Literature cited by the submitters: PubMed 26429889 (cited by Athena Diagnostics); PubMed 27132499 (cited by Athena Diagnostics); PubMed 28130640 (cited by Athena Diagnostics); PubMed 22777741 (cited by Athena Diagnostics); PubMed 17824900 (cited by Athena Diagnostics); PubMed 19506225 (cited by Athena Diagnostics); PubMed 23143281 (cited by Athena Diagnostics and Inherited Neuropathy Consortium Ii, University Of Miami); PubMed 25382069 (cited by Athena Diagnostics).

NM_004082.5(DCTN1):c.586A>G (p.Ile196Val)

Gene: DCTN1 (dynactin subunit 1; minus strand). Cytogenetic location: 2p13.1.
Variant type: single nucleotide variant.
Coding change: c.586A>G on transcript NM_004082.5 (MANE Select); coding-DNA position 586, A replaced by G.
Protein change: p.Ile196Val; replaces isoleucine 196 with valine.
Molecular consequence: missense variant. On other transcripts: non-coding transcript variant (1).
Genome position (GRCh38, 1-based): chr2:74,371,596, T>C on the plus strand (A>G on the coding strand, the complement: DCTN1 is on the minus strand). VCF-style: chr2-74371596-T-C. GRCh37 (hg19) VCF-style: chr2-74598723-T-C.
Other names: c.526A>G, p.Ile176Val (NM_001135040.3); c.184A>G, p.Ile62Val (NM_001135041.3, NM_023019.4); c.475A>G, p.Ile159Val (NM_001190836.2); c.565A>G, p.Ile189Val (NM_001190837.2); c.535A>G, p.Ile179Val (NM_001378991.1); c.517A>G, p.Ile173Val (NM_001378992.1); short protein forms I159V, I196V, I62V, I189V, I176V, I173V, I179V.
Identifiers: ClinVar variation 337096 (VCV000337096.79), dbSNP rs55862001, ClinGen allele CA1722375.